The following is an entry in ClinVar:

NM_001081.4(CUBN):c.7628T>C (p.Met2543Thr)

Gene: CUBN (cubilin; minus strand). Cytogenetic location: 10p13.
Variant type: single nucleotide variant.
Coding change: c.7628T>C on transcript NM_001081.4 (MANE Select); coding-DNA position 7628, T replaced by C.
Protein change: p.Met2543Thr; replaces methionine 2543 with threonine.
Molecular consequence: missense variant.
Genome position (GRCh38, 1-based): chr10:16,907,585, A>G on the plus strand (T>C on the coding strand, the complement: CUBN is on the minus strand). VCF-style: chr10-16907585-A-G. GRCh37 (hg19) VCF-style: chr10-16949584-A-G.
Other names: short protein forms M2543T.
Identifiers: ClinVar variation 4741560 (VCV004741560.1).
Genomic context (GRCh38, chr10:16,907,585, plus strand): 5'-GTATAGGAAGCAGTGAAGCCGCCATATGGCCTGGATCCATCCGTGAAAAAAATGACTTTC[A>G]TTGTGTTTCCTGAAGATTTAATCTCATTGCTTACATTCACACTACTACACAGTTTCTCTA-3'
Protein context (NP_001072.2, residues 2533-2553): SNEIKSSGNT[Met2543Thr]KVIFFTDGSR

ClinVar aggregate classification (germline): Uncertain significance (1 of 4 stars; one submission).

Conditions:
Imerslund-Grasbeck syndrome. Also called: ENTEROCYTE COBALAMIN MALABSORPTION; ENTEROCYTE INTRINSIC FACTOR RECEPTOR, DEFECT OF; PERNICIOUS ANEMIA, JUVENILE, DUE TO SELECTIVE INTESTINAL MALABSORPTION OF VITAMIN B12, WITH PROTEINURIA; Imerslund-Gräsbeck syndrome; Megaloblastic anemia due to inborn errors of metabolism. Identifiers: Orphanet 35858, MedGen C4551825, MONDO:0009853.

gnomAD v4.1: 1 of 1,613,940 alleles (0.000062%); highest among the groups gnomAD compares: South Asian, 0.0011%; no homozygotes.

Submission:

Labcorp Genetics (formerly Invitae), Labcorp
Classification: Uncertain significance for Imerslund-Grasbeck syndrome. Last evaluated: 2025-04-08. Review status: criteria provided, single submitter. Criteria: Invitae Variant Classification Sherloc (09022015). Collection method: clinical testing. Allele origin: germline.
Comment: This sequence change replaces methionine, which is neutral and non-polar, with threonine, which is neutral and polar, at codon 2543 of the CUBN protein (p.Met2543Thr). This variant is not present in population databases (gnomAD no frequency). This variant has not been reported in the literature in individuals affected with CUBN-related conditions. Invitae Evidence Modeling of protein sequence and biophysical properties (such as structural, functional, and spatial information, amino acid conservation, physicochemical variation, residue mobility, and thermodynamic stability) indicates that this missense variant is expected to disrupt CUBN protein function with a positive predictive value of 80%. In summary, the available evidence is currently insufficient to determine the role of this variant in disease. Therefore, it has been classified as a Variant of Uncertain Significance.